The following is an entry in ClinVar:

ClinVar aggregate classification (germline): Pathogenic. Review status: reviewed by expert panel (3 of 4 stars). 13 submissions from 13 submitters: Pathogenic (1). 12 of the submissions do not count toward it. Last evaluated 2016-09-08.

Conditions:
BRCA2-related cancer predisposition. Identifiers: MedGen CN377758, MONDO:0700269.
Familial cancer of breast. Also called: hereditary breast carcinoma; BREAST CANCER, FAMILIAL; Hereditary breast cancer. Identifiers: Orphanet 227535, MedGen C0346153, MONDO:0016419, OMIM 114480. Disease mechanism: loss of function.
Breast-ovarian cancer, familial, susceptibility to, 2 (BROVCA2). Also called: BRCA2 Hereditary Breast and Ovarian Cancer. Identifiers: Orphanet 145, MedGen C2675520, MONDO:0012933, OMIM 612555. Disease mechanism: loss of function.
Fanconi anemia complementation group D1. Also called: BRCA2-Related Fanconi Anemia. Identifiers: Orphanet 319462, MedGen C1838457, MONDO:0011584, OMIM 605724.
Medulloblastoma (MDB). Also called: Medulloblastoma, somatic; MEDULLOBLASTOMA PREDISPOSITION SYNDROME. Identifiers: Orphanet 616, MedGen C0025149, MeSH D008527, MONDO:0007959, OMIM 155255, HP:0002885.
Prostate cancer. Also called: Malignant tumor of prostate. Identifiers: Orphanet 1331, MedGen C0376358, MONDO:0008315, HP:0012125.
Wilms tumor 1 (WT1). Also called: Wilms tumor, somatic. Identifiers: Orphanet 654, MedGen CN033288, MONDO:0008679, OMIM 194070.
Pancreatic cancer, susceptibility to, 2. Identifiers: Orphanet 1333, MedGen C3150546, MONDO:0013235, OMIM 613347.
Glioma susceptibility 3 (GLM3). Also called: Glioblastoma 3. Identifiers: Orphanet 182067, Orphanet 360, MedGen C2751641, MONDO:0013093, OMIM 613029.
Hereditary cancer-predisposing syndrome. Also called: Neoplastic Syndromes, Hereditary; Hereditary neoplastic syndrome; Hereditary Cancer Syndrome; Tumor predisposition. Identifiers: Orphanet 140162, MedGen C0027672, MeSH D009386, MONDO:0015356.
Hereditary breast ovarian cancer syndrome. Also called: BRCA1- and BRCA2-Associated Hereditary Breast and Ovarian Cancer; Hereditary breast and ovarian cancer syndrome; Hereditary breast and ovarian cancer syndrome (HBOC); Hereditary breast and ovarian cancer; Breast and ovarian cancer; Hereditary breast and/or ovarian cancer syndrome. Identifiers: Orphanet 145, MedGen C0677776, MeSH D061325, MONDO:0003582. Disease mechanism: loss of function.
Breast-ovarian cancer, familial, susceptibility to, 1 (BROVCA1). Also called: BRCA1 Hereditary Breast and Ovarian Cancer; OVARIAN CANCER, SUSCEPTIBILITY TO. Identifiers: Orphanet 145, MedGen C2676676, MONDO:0011450, OMIM 604370. Disease mechanism: loss of function.

Submissions (13):

Evidence-based Network for the Interpretation of Germline Mutant Alleles (ENIGMA)
Classification: Pathogenic for Breast-ovarian cancer, familial, susceptibility to, 2. Last evaluated: 2016-09-08. Review status: reviewed by expert panel. Criteria: ENIGMA BRCA1/2 Classification Criteria (2015). Collection method: curation. Allele origin: germline.
Comment: Variant allele predicted to encode a truncated non-functional protein.

Labcorp Genetics (formerly Invitae), Labcorp
Classification: Pathogenic for Hereditary breast ovarian cancer syndrome. Last evaluated: 2025-07-20. Review status: criteria provided, single submitter. Criteria: Invitae Variant Classification Sherloc (09022015). Collection method: clinical testing. Allele origin: germline. Not counted in ClinVar's aggregate classification.
Comment: This sequence change creates a premature translational stop signal (p.Gly2274Alafs*17) in the BRCA2 gene. It is expected to result in an absent or disrupted protein product. Loss-of-function variants in BRCA2 are known to be pathogenic (PMID: 20104584). This variant is not present in population databases (gnomAD no frequency). This premature translational stop signal has been observed in individual(s) with breast cancer, ovarian cancer, and/or prostate cancer (PMID: 26845104, 31528241, 31948886). This variant is also known as c.6814_6818del (p.R2272fs). ClinVar contains an entry for this variant (Variation ID: 141509). For these reasons, this variant has been classified as Pathogenic.

Ambry Genetics
Classification: Pathogenic for Hereditary cancer-predisposing syndrome. Last evaluated: 2024-03-19. Review status: criteria provided, single submitter. Criteria: Ambry Variant Classification Scheme 2023. Collection method: clinical testing. Allele origin: germline. Not counted in ClinVar's aggregate classification.
Comment: The c.6816_6820delAAGAG pathogenic mutation, located in coding exon 10 of the BRCA2 gene, results from a deletion of 5 nucleotides at nucleotide positions 6816 to 6820, causing a translational frameshift with a predicted alternate stop codon (p.G2274Afs*17). This variant was identified in a cohort of Pakistani breast/ovarian cancer family (Rashid MU et al. Hered Cancer Clin Pract, 2019 Sep;17:27). This variant is considered to be rare based on population cohorts in the Genome Aggregation Database (gnomAD). In addition to the clinical data presented in the literature, this alteration is expected to result in loss of function by premature protein truncation or nonsense-mediated mRNA decay. As such, this alteration is interpreted as a disease-causing mutation.

Department of Pathology and Laboratory Medicine, Sinai Health System
Classification: Pathogenic for BRCA2-related cancer predisposition. Last evaluated: 2024-01-17. Review status: criteria provided, single submitter. Criteria: ACMG Guidelines, 2015. Collection method: clinical testing. Allele origin: germline. Affected: no. Not counted in ClinVar's aggregate classification.

Women's Health and Genetics/Laboratory Corporation of America, LabCorp
Classification: Pathogenic for Hereditary breast ovarian cancer syndrome. Last evaluated: 2023-01-30. Review status: criteria provided, single submitter. Criteria: LabCorp Variant Classification Summary - May 2015. Collection method: clinical testing. Allele origin: germline. Not counted in ClinVar's aggregate classification.
Comment: Variant summary: BRCA2 c.6816_6820delAAGAG (p.Gly2274AlafsX17) results in a premature termination codon, predicted to cause a truncation of the encoded protein or absence of the protein due to nonsense mediated decay, which are commonly known mechanisms for disease. Truncations downstream of this position have been classified as pathogenic by our laboratory. The variant was absent in 250374 control chromosomes. c.6816_6820delAAGAG has been reported in the literature in individuals affected with Hereditary Breast And Ovarian Cancer Syndrome (Rashid_2019, Li_2021, etc). These data indicate that the variant is likely to be associated with disease. To our knowledge, no experimental evidence demonstrating an impact on protein function has been reported. 11 clinical diagnostic laboratories have submitted clinical-significance assessments for this variant to ClinVar after 2014 without evidence for independent evaluation. Laboratories classified the variant as pathogenic (n=10), including one expert panel (ENIGMA) or likely pathogenic (n=1). Based on the evidence outlined above, the variant was classified as pathogenic.

Fulgent Genetics
Classification: Pathogenic for Familial cancer of breast; Medulloblastoma; Familial prostate cancer; Wilms tumor 1; Fanconi anemia complementation group D1; Breast-ovarian cancer, familial, susceptibility to, 2; Glioma susceptibility 3; Pancreatic cancer, susceptibility to, 2. Last evaluated: 2021-09-09. Review status: criteria provided, single submitter. Criteria: ACMG Guidelines, 2015. Collection method: clinical testing. Allele origin: unknown. Not counted in ClinVar's aggregate classification.

GeneDx
Classification: Pathogenic. Last evaluated: 2021-05-11. Review status: criteria provided, single submitter. Criteria: GeneDx Variant Classification Process June 2021. Collection method: clinical testing. Allele origin: germline. Affected: yes. Not counted in ClinVar's aggregate classification.
Comment: Frameshift variant predicted to result in protein truncation or nonsense mediated decay in a gene for which loss-of-function is a known mechanism of disease; Not observed in large population cohorts (Lek 2016); Truncating variants in this gene are considered pathogenic by a well-established clinical consortium and/or database; Also known as 7044_7048delAAGAG; Observed in individuals with a personal or family history consistent with pathogenic variants in this gene (Shirts 2016, Rashid 2019); This variant is associated with the following publications: (PMID: 26845104, 28152038, 29446198, 31948886, 31528241)

Color Diagnostics, LLC DBA Color Health
Classification: Pathogenic for Hereditary cancer-predisposing syndrome. Last evaluated: 2020-09-29. Review status: criteria provided, single submitter. Criteria: ACMG Guidelines, 2015. Collection method: clinical testing. Allele origin: germline. Not counted in ClinVar's aggregate classification.
Comment: This variant deletes 5 nucleotides in exon 11 of the BRCA2 gene, creating a frameshift and premature translation stop signal. This variant is expected to result in an absent or non-functional protein product. This variant has been reported in individuals affected with breast and/or ovarian cancer (PMID: 26845104, 31528241). This variant has not been identified in the general population by the Genome Aggregation Database (gnomAD). Loss of BRCA2 function is a known mechanism of disease. Based on the available evidence, this variant is classified as Pathogenic.

PreventionGenetics, part of Exact Sciences
Classification: Pathogenic. Last evaluated: 2017-08-17. Review status: criteria provided, single submitter. Criteria: ACMG Guidelines, 2015. Collection method: clinical testing. Allele origin: germline. Not counted in ClinVar's aggregate classification.

Molecular Genetics Laboratory, University of Michigan
Classification: Pathogenic for Breast-ovarian cancer, familial, susceptibility to, 2. Last evaluated: 2016-04-21. Review status: criteria provided, single submitter. Criteria: ACMG Guidelines, 2015. Collection method: clinical testing. Allele origin: germline. Affected: yes. Not counted in ClinVar's aggregate classification.

University of Washington Department of Laboratory Medicine, University of Washington
Classification: Pathogenic for Breast-ovarian cancer, familial, susceptibility to, 1. Last evaluated: 2015-11-20. Review status: criteria provided, single submitter. Criteria: Shirts et al. (Genet Med 2016). Collection method: clinical testing. Allele origin: germline. Affected: yes. Observed: 1 variant allele. Not counted in ClinVar's aggregate classification.

Consortium of Investigators of Modifiers of BRCA1/2 (CIMBA), c/o University of Cambridge
Classification: Pathogenic for Breast-ovarian cancer, familial, susceptibility to, 2. Last evaluated: 2015-10-02. Review status: criteria provided, single submitter. Criteria: CIMBA Mutation Classification guidelines May 2016. Collection method: clinical testing. Allele origin: germline. Not counted in ClinVar's aggregate classification.

Counsyl
Classification: Likely pathogenic for Breast-ovarian cancer, familial, susceptibility to, 2. Last evaluated: 2017-06-29. Review status: no assertion criteria provided. Collection method: clinical testing. Allele origin: unknown. Not counted in ClinVar's aggregate classification.

Literature cited by the submitters: PubMed 20104584 (cited by Labcorp Genetics (formerly Invitae), Labcorp); PubMed 26845104 (cited by 3 submitters); PubMed 31528241 (cited by 4 submitters); PubMed 31948886 (cited by Labcorp Genetics (formerly Invitae), Labcorp); PubMed 34046351 (cited by Department of Pathology and Laboratory Medicine, Sinai Health System and Women's Health and Genetics/Laboratory Corporation of America, LabCorp); PubMed 29446198 (cited by Department of Pathology and Laboratory Medicine, Sinai Health System).

NM_000059.4(BRCA2):c.6816_6820del (p.Gly2274fs)

Gene: BRCA2 (BRCA2 DNA repair associated; plus strand). Cytogenetic location: 13q13.1.
Variant type: Deletion.
Coding change: c.6816_6820del on transcript NM_000059.4 (MANE Select); coding-DNA positions 6816 to 6820, 5 bases deleted (AAGAG; older notation c.6816_6820delAAGAG).
Protein change: p.Gly2274fs; shifts the reading frame from glycine 2274.
Molecular consequence: frameshift variant.
Genome position (GRCh38, 1-based): chr13:32,341,171-32,341,175, AAGAG deleted; deleting any 5 consecutive bases within chr13:32,341,169-32,341,175 gives the same sequence; the c. name uses the placement nearest the transcript's 3' end. VCF-style (leftmost placement, unchanged base first): chr13-32341168-AAGAAG-A. GRCh37 (hg19) VCF-style: chr13-32915305-AAGAAG-A.
Other names: c.6816_6820delAAGAG (NM_000059.3).
Identifiers: ClinVar variation 141509 (VCV000141509.65), dbSNP rs587781803, ClinGen allele CA024442.